The following is an entry in ClinVar:

NM_006059.4(LAMC3):c.265T>G (p.Ser89Ala)

Gene: LAMC3 (laminin subunit gamma 3; plus strand). Cytogenetic location: 9q34.12.
Variant type: single nucleotide variant.
Coding change: c.265T>G on transcript NM_006059.4 (MANE Select); coding-DNA position 265, T replaced by G.
Protein change: p.Ser89Ala; replaces serine 89 with alanine.
Molecular consequence: missense variant.
Genome position (GRCh38, 1-based): chr9:131,009,479, T>G. VCF-style: chr9-131009479-T-G. GRCh37 (hg19) VCF-style: chr9-133884866-T-G.
Other names: short protein forms S89A.
Identifiers: ClinVar variation 1422013 (VCV001422013.5), dbSNP rs2133193705, ClinGen allele CA375250731.

ClinVar aggregate classification (germline): Uncertain significance (1 of 4 stars; one submission).

Allele frequency attached by ClinVar (database versions not stated): gnomAD exomes below 0.00001.
gnomAD v4.1: 1 of 1,549,616 alleles (0.000065%); highest among the groups gnomAD compares: Non-Finnish European, 0.000087%; no homozygotes.

Submission:

Labcorp Genetics (formerly Invitae), Labcorp
Classification: Uncertain significance. Last evaluated: 2024-02-17. Review status: criteria provided, single submitter. Criteria: Invitae Variant Classification Sherloc (09022015). Collection method: clinical testing. Allele origin: germline.
Comment: This sequence change replaces serine, which is neutral and polar, with alanine, which is neutral and non-polar, at codon 89 of the LAMC3 protein (p.Ser89Ala). This variant is not present in population databases (gnomAD no frequency). This variant has not been reported in the literature in individuals affected with LAMC3-related conditions. ClinVar contains an entry for this variant (Variation ID: 1422013). Algorithms developed to predict the effect of missense changes on protein structure and function output the following: SIFT: "Not Available"; PolyPhen-2: "Benign"; Align-GVGD: "Not Available". The alanine amino acid residue is found in multiple mammalian species, which suggests that this missense change does not adversely affect protein function. In summary, the available evidence is currently insufficient to determine the role of this variant in disease. Therefore, it has been classified as a Variant of Uncertain Significance.